The following is an entry in ClinVar:

ClinVar aggregate classification (germline): Uncertain significance (1 of 4 stars; one submission).

Conditions:
Baller-Gerold syndrome (BGS). Also called: CRANIOSYNOSTOSIS WITH RADIAL DEFECTS. Identifiers: Orphanet 1225, MedGen C0265308, MONDO:0009039, OMIM 218600.

Submission:

Labcorp Genetics (formerly Invitae), Labcorp
Classification: Uncertain significance for Baller-Gerold syndrome. Last evaluated: 2022-09-20. Review status: criteria provided, single submitter. Criteria: Invitae Variant Classification Sherloc (09022015). Collection method: clinical testing. Allele origin: germline.
Comment: In summary, the available evidence is currently insufficient to determine the role of this variant in disease. Therefore, it has been classified as a Variant of Uncertain Significance. Experimental studies and prediction algorithms are not available or were not evaluated, and the functional significance of this variant is currently unknown. This variant has not been reported in the literature in individuals affected with RECQL4-related conditions. This variant is not present in population databases (gnomAD no frequency). This sequence change replaces proline, which is neutral and non-polar, with serine, which is neutral and polar, at codon 272 of the RECQL4 protein (p.Pro272Ser).

NM_004260.4(RECQL4):c.814C>T (p.Pro272Ser)

Gene: RECQL4 (RecQ like helicase 4; minus strand). Cytogenetic location: 8q24.3.
Variant type: single nucleotide variant.
Coding change: c.814C>T on transcript NM_004260.4 (MANE Select); coding-DNA position 814, C replaced by T.
Protein change: p.Pro272Ser; replaces proline 272 with serine.
Molecular consequence: missense variant.
Genome position (GRCh38, 1-based): chr8:144,516,305, G>A on the plus strand (C>T on the coding strand, the complement: RECQL4 is on the minus strand). VCF-style: chr8-144516305-G-A. GRCh37 (hg19) VCF-style: chr8-145741689-G-A.
Other names: c.814C>T, p.Pro272Ser (NM_001413017.1, NM_001413018.1, NM_001413019.1 and 4 more transcripts); c.-162C>T (NM_001413034.1); c.-258C>T (NM_001413035.1, NM_001413037.1, NM_001413038.1 and 7 more transcripts); c.-320C>T (NM_001413041.1, NM_001413027.1, NM_001413030.1 and 2 more transcripts); c.-527C>T (NM_001413043.1); c.685C>T, p.Pro229Ser (NM_001413025.1); c.463C>T, p.Pro155Ser (NM_001413029.1); short protein forms P155S, P229S, P272S.
Identifiers: ClinVar variation 1719745 (VCV001719745.5), dbSNP rs1202501641, ClinGen allele CA372689110.